The following is an entry in ClinVar:

ClinVar aggregate classification (germline): Likely benign. Review status: criteria provided, multiple submitters, no conflicts (2 of 4 stars). 2 submissions from 2 submitters: Likely benign (2). Last evaluated 2023-10-18.

Conditions:
Hypertrophic cardiomyopathy 14. Identifiers: MedGen C2750467, MONDO:0013197, OMIM 613251.

Allele frequency attached by ClinVar (database versions not stated): TOPMed 0.00001; gnomAD exomes 0.00002; ExAC 0.00003; ESP Exome Variant Server 0.00008.
gnomAD v4.1: 23 of 1,614,248 alleles (0.0014%); highest among the groups gnomAD compares: Non-Finnish European, 0.0015%; no homozygotes.

Submissions (2):

Labcorp Genetics (formerly Invitae), Labcorp
Classification: Likely benign for Hypertrophic cardiomyopathy 14. Last evaluated: 2023-10-18. Review status: criteria provided, single submitter. Criteria: Invitae Variant Classification Sherloc (09022015). Collection method: clinical testing. Allele origin: germline.

GeneDx
Classification: Likely benign. Last evaluated: 2020-06-10. Review status: criteria provided, single submitter. Criteria: GeneDx Variant Classification Process June 2021. Collection method: clinical testing. Allele origin: germline. Affected: yes.
Comment: Not observed at a significant frequency in large population cohorts (Lek et al., 2016); Has not been previously published as pathogenic or benign to our knowledge

NM_002471.4(MYH6):c.2766G>A (p.Lys922=)

Gene: MYH6 (myosin heavy chain 6; minus strand). Cytogenetic location: 14q11.2.
Variant type: single nucleotide variant.
Coding change: c.2766G>A on transcript NM_002471.4 (MANE Select); coding-DNA position 2766, G replaced by A.
Protein change: p.Lys922=; no amino-acid change (lysine 922 retained).
Molecular consequence: synonymous variant.
Genome position (GRCh38, 1-based): chr14:23,393,828, C>T on the plus strand (G>A on the coding strand, the complement: MYH6 is on the minus strand). VCF-style: chr14-23393828-C-T. GRCh37 (hg19) VCF-style: chr14-23863037-C-T.
Identifiers: ClinVar variation 1198781 (VCV001198781.10), dbSNP rs373721137, ClinGen allele CA7115377.